The following is an entry in ClinVar:

ClinVar aggregate classification (germline): Uncertain significance (1 of 4 stars; one submission).

gnomAD v4.1: 9 of 1,614,126 alleles (0.00056%); highest among the groups gnomAD compares: African/African-American, 0.0013%; no homozygotes.

Submission:

Labcorp Genetics (formerly Invitae), Labcorp
Classification: Uncertain significance. Last evaluated: 2025-12-09. Review status: criteria provided, single submitter. Criteria: Invitae Variant Classification Sherloc (09022015). Collection method: clinical testing. Allele origin: germline.
Comment: This sequence change replaces arginine, which is basic and polar, with histidine, which is basic and polar, at codon 192 of the COA7 protein (p.Arg192His). This variant is present in population databases (rs750797614, gnomAD 0.0009%). This variant has not been reported in the literature in individuals affected with COA7-related conditions. An algorithm developed to predict the effect of missense changes on protein structure and function (PolyPhen-2) suggests that this variant is likely to be tolerated. In summary, the available evidence is currently insufficient to determine the role of this variant in disease. Therefore, it has been classified as a Variant of Uncertain Significance.

NM_023077.3(COA7):c.575G>A (p.Arg192His)

Gene: COA7 (cytochrome c oxidase assembly factor 7; minus strand). Cytogenetic location: 1p32.3.
Variant type: single nucleotide variant.
Coding change: c.575G>A on transcript NM_023077.3 (MANE Select); coding-DNA position 575, G replaced by A.
Protein change: p.Arg192His; replaces arginine 192 with histidine.
Molecular consequence: missense variant.
Genome position (GRCh38, 1-based): chr1:52,687,841, C>T on the plus strand (G>A on the coding strand, the complement: COA7 is on the minus strand). VCF-style: chr1-52687841-C-T. GRCh37 (hg19) VCF-style: chr1-53153513-C-T.
Other names: short protein forms R192H.
Identifiers: ClinVar variation 4764924 (VCV004764924.1).
Genomic context (GRCh38, chr1:52,687,841, plus strand): 5'-TTTTTTAGCACCTCGGCCTTGGCCTCATCCTTATCAACACCATCCCCCAGCTTGTACATG[C>T]GACTGGCATTGGCACAGGCCCAGATATGACCCAGGTCACAGGCTTTCATGGAGTATTTAC-3'
Protein context (NP_075565.2, residues 182-202): GHIWACANAS[Arg192His]MYKLGDGVDK